The following is an entry in ClinVar:

ClinVar aggregate classification (germline): Uncertain significance (1 of 4 stars; one submission).

Conditions:
Nemaline myopathy 2 (NEM2). Also called: Nemaline myopathy 2, autosomal recessive. Identifiers: MedGen C1850569, MONDO:0009725, OMIM 256030.

Submission:

Labcorp Genetics (formerly Invitae), Labcorp
Classification: Uncertain significance for Nemaline myopathy 2. Last evaluated: 2024-12-02. Review status: criteria provided, single submitter. Criteria: Invitae Variant Classification Sherloc (09022015). Collection method: clinical testing. Allele origin: germline.
Comment: This sequence change replaces alanine, which is neutral and non-polar, with proline, which is neutral and non-polar, at codon 2776 of the NEB protein (p.Ala2776Pro). This variant is not present in population databases (gnomAD no frequency). This variant has not been reported in the literature in individuals affected with NEB-related conditions. ClinVar contains an entry for this variant (Variation ID: 936527). Experimental studies and prediction algorithms are not available or were not evaluated, and the functional significance of this variant is currently unknown. In summary, the available evidence is currently insufficient to determine the role of this variant in disease. Therefore, it has been classified as a Variant of Uncertain Significance.

NM_001164508.2(NEB):c.8326G>C (p.Ala2776Pro)

Gene: NEB (nebulin; minus strand). Cytogenetic location: 2q23.3.
Variant type: single nucleotide variant.
Coding change: c.8326G>C on transcript NM_001164508.2 (MANE Select); coding-DNA position 8326, G replaced by C.
Protein change: p.Ala2776Pro; replaces alanine 2776 with proline.
Molecular consequence: missense variant.
Genome position (GRCh38, 1-based): chr2:151,642,621, C>G on the plus strand (G>C on the coding strand, the complement: NEB is on the minus strand). VCF-style: chr2-151642621-C-G. GRCh37 (hg19) VCF-style: chr2-152499135-C-G.
Other names: c.8326G>C, p.Ala2776Pro (NM_001164507.2, NM_001271208.2, NM_004543.5); short protein forms A2776P.
Identifiers: ClinVar variation 936527 (VCV000936527.8), dbSNP rs2098890629, ClinGen allele CA348812585.